The following is an entry in ClinVar:

NM_022437.3(ABCG8):c.1691A>C (p.Asn564Thr)

Gene: ABCG8 (ATP binding cassette subfamily G member 8; plus strand). Cytogenetic location: 2p21.
Variant type: single nucleotide variant.
Coding change: c.1691A>C on transcript NM_022437.3 (MANE Select); coding-DNA position 1691, A replaced by C.
Protein change: p.Asn564Thr; replaces asparagine 564 with threonine.
Molecular consequence: missense variant.
Genome position (GRCh38, 1-based): chr2:43,875,348, A>C. VCF-style: chr2-43875348-A-C. GRCh37 (hg19) VCF-style: chr2-44102487-A-C.
Other names: c.1688A>C, p.Asn563Thr (NM_001357321.2); short protein forms N563T, N564T.
Identifiers: ClinVar variation 3227777 (VCV003227777.1), dbSNP rs749742502, ClinGen allele CA1637590.

ClinVar aggregate classification (germline): Uncertain significance (1 of 4 stars; one submission).

Conditions:
Cardiovascular phenotype. Identifiers: MedGen CN230736.

Submission:

Ambry Genetics
Classification: Uncertain significance for Cardiovascular phenotype. Last evaluated: 2024-03-10. Review status: criteria provided, single submitter. Criteria: Ambry Variant Classification Scheme 2023. Collection method: clinical testing. Allele origin: germline.
Comment: The p.N564T variant (also known as c.1691A>C), located in coding exon 11 of the ABCG8 gene, results from an A to C substitution at nucleotide position 1691. The asparagine at codon 564 is replaced by threonine, an amino acid with similar properties. This amino acid position is conserved. In addition, this alteration is predicted to be tolerated by in silico analysis. Based on the available evidence, the clinical significance of this alteration remains unclear.